The following is an entry in ClinVar:

ClinVar aggregate classification (germline): Likely benign. Review status: criteria provided, multiple submitters, no conflicts (2 of 4 stars). 3 submissions from 3 submitters: Likely benign (2). 1 of the submissions does not count toward it. Last evaluated 2025-04-17.

Conditions:
KIAA1549-related disorder. Also called: KIAA1549-related condition.

Allele frequency attached by ClinVar (database versions not stated): gnomAD 0.00004 and 0.00007; ExAC 0.00005; gnomAD exomes 0.00006 and 0.00008; TOPMed 0.00007; ESP Exome Variant Server 0.00008.
gnomAD v4.1: 143 of 1,613,838 alleles (0.0089%); highest among the groups gnomAD compares: Middle Eastern, 0.28%; no homozygotes.

Submissions (3):

Labcorp Genetics (formerly Invitae), Labcorp
Classification: Likely benign. Last evaluated: 2025-04-17. Review status: criteria provided, single submitter. Criteria: Invitae Variant Classification Sherloc (09022015). Collection method: clinical testing. Allele origin: germline.

Breakthrough Genomics
Classification: Likely benign. Review status: criteria provided, single submitter. Criteria: ACMG Guidelines, 2015. Collection method: not provided. Allele origin: germline. Inheritance: Autosomal recessive inheritance. Affected: yes.

PreventionGenetics, part of Exact Sciences
Classification: Likely benign for KIAA1549-related condition. Last evaluated: 2021-12-31. Review status: no assertion criteria provided. Collection method: clinical testing. Allele origin: germline. Not counted in ClinVar's aggregate classification.
Comment: This variant is classified as likely benign based on ACMG/AMP sequence variant interpretation guidelines (Richards et al. 2015 PMID: 25741868, with internal and published modifications).

NM_001164665.2(KIAA1549):c.3783C>T (p.Asn1261=)

Gene: KIAA1549 (KIAA1549; minus strand). Cytogenetic location: 7q34.
Variant type: single nucleotide variant.
Coding change: c.3783C>T on transcript NM_001164665.2 (MANE Select); coding-DNA position 3783, C replaced by T.
Protein change: p.Asn1261=; no amino-acid change (asparagine 1261 retained).
Molecular consequence: synonymous variant.
Genome position (GRCh38, 1-based): chr7:138,899,019, G>A on the plus strand (C>T on the coding strand, the complement: KIAA1549 is on the minus strand). VCF-style: chr7-138899019-G-A. GRCh37 (hg19) VCF-style: chr7-138583765-G-A.
Other names: c.3783C>T (NM_001164665.1); c.3783C>T, p.Asn1261= (NM_020910.3).
Identifiers: ClinVar variation 1102391 (VCV001102391.12), dbSNP rs375104518, ClinGen allele CA4506111.